The following is an entry in ClinVar:

ClinVar aggregate classification (germline): Uncertain significance. Review status: criteria provided, multiple submitters, no conflicts (2 of 4 stars). 2 submissions from 2 submitters: Uncertain significance (2). Last evaluated 2025-09-02.

Conditions:
Inborn genetic diseases. Identifiers: MedGen C0950123, MeSH D030342.

Allele frequency attached by ClinVar (database versions not stated): gnomAD exomes 0.00001 and 0.00002; ExAC 0.00003; gnomAD 0.00011; TOPMed 0.00013; 1000 Genomes Project 0.00020; 1000 Genomes Project 30x 0.00031.

Submissions (2):

Labcorp Genetics (formerly Invitae), Labcorp
Classification: Uncertain significance. Last evaluated: 2025-09-02. Review status: criteria provided, single submitter. Criteria: Invitae Variant Classification Sherloc (09022015). Collection method: clinical testing. Allele origin: germline.
Comment: This sequence change replaces asparagine, which is neutral and polar, with serine, which is neutral and polar, at codon 759 of the PLK4 protein (p.Asn759Ser). This variant is present in population databases (rs548390675, gnomAD 0.04%). This variant has not been reported in the literature in individuals affected with PLK4-related conditions. ClinVar contains an entry for this variant (Variation ID: 1516460). An algorithm developed to predict the effect of missense changes on protein structure and function outputs the following: PolyPhen-2: "Benign". The serine amino acid residue is found in multiple mammalian species, which suggests that this missense change does not adversely affect protein function. In summary, the available evidence is currently insufficient to determine the role of this variant in disease. Therefore, it has been classified as a Variant of Uncertain Significance.

Ambry Genetics
Classification: Uncertain significance for Inborn genetic diseases. Last evaluated: 2025-01-03. Review status: criteria provided, single submitter. Criteria: Ambry Variant Classification Scheme 2023. Collection method: clinical testing. Allele origin: germline.

NM_014264.5(PLK4):c.2276A>G (p.Asn759Ser)

Gene: PLK4 (polo like kinase 4; plus strand). Cytogenetic location: 4q28.1.
Variant type: single nucleotide variant.
Coding change: c.2276A>G on transcript NM_014264.5 (MANE Select); coding-DNA position 2276, A replaced by G.
Protein change: p.Asn759Ser; replaces asparagine 759 with serine.
Molecular consequence: missense variant.
Genome position (GRCh38, 1-based): chr4:127,893,372, A>G. VCF-style: chr4-127893372-A-G. GRCh37 (hg19) VCF-style: chr4-128814527-A-G.
Other names: c.2180A>G, p.Asn727Ser (NM_001190799.2); c.2153A>G, p.Asn718Ser (NM_001190801.2); c.2276A>G (NM_014264.4); short protein forms N718S, N727S, N759S.
Identifiers: ClinVar variation 1516460 (VCV001516460.7), dbSNP rs548390675, ClinGen allele CA3077004.